The following is an entry in ClinVar:

NM_000843.4(GRM6):c.269G>C (p.Arg90Pro)

Gene: GRM6 (glutamate metabotropic receptor 6; minus strand). Cytogenetic location: 5q35.3.
Variant type: single nucleotide variant.
Coding change: c.269G>C on transcript NM_000843.4 (MANE Select); coding-DNA position 269, G replaced by C.
Protein change: p.Arg90Pro; replaces arginine 90 with proline.
Molecular consequence: missense variant.
Genome position (GRCh38, 1-based): chr5:178,994,676, C>G on the plus strand (G>C on the coding strand, the complement: GRM6 is on the minus strand). VCF-style: chr5-178994676-C-G. GRCh37 (hg19) VCF-style: chr5-178421677-C-G.
Other names: short protein forms R90P.
Identifiers: ClinVar variation 3698332 (VCV003698332.2).
Genomic context (GRCh38, chr5:178,994,676, plus strand): 5'-AGCGCCTGCTCCAGCGCGTAGGTGTCCCGCGAGCAGGTGTCCAGCAGCCGCGCGCCCAGG[C>G]GCACGCCGGGCAGCAGCTCGGGGTCGGCGTTGACGCGGTCCAGCGCGTACAGCATGGCCT-3'
Protein context (NP_000834.2, residues 80-100): NADPELLPGV[Arg90Pro]LGARLLDTCS

ClinVar aggregate classification (germline): Uncertain significance (1 of 4 stars; one submission).

gnomAD v4.1: 1 of 1,468,202 alleles (0.000068%); highest among the groups gnomAD compares: African/African-American, 0.0015%; no homozygotes.

Submission:

Labcorp Genetics (formerly Invitae), Labcorp
Classification: Uncertain significance. Last evaluated: 2024-11-01. Review status: criteria provided, single submitter. Criteria: Invitae Variant Classification Sherloc (09022015). Collection method: clinical testing. Allele origin: germline.
Comment: This sequence change replaces arginine, which is basic and polar, with proline, which is neutral and non-polar, at codon 90 of the GRM6 protein (p.Arg90Pro). This variant is not present in population databases (gnomAD no frequency). This variant has not been reported in the literature in individuals affected with GRM6-related conditions. Invitae Evidence Modeling of protein sequence and biophysical properties (such as structural, functional, and spatial information, amino acid conservation, physicochemical variation, residue mobility, and thermodynamic stability) indicates that this missense variant is not expected to disrupt GRM6 protein function with a negative predictive value of 95%. In summary, the available evidence is currently insufficient to determine the role of this variant in disease. Therefore, it has been classified as a Variant of Uncertain Significance.